The following is an entry in ClinVar:

ClinVar aggregate classification (germline): Uncertain significance (1 of 4 stars; one submission).

Conditions:
Mega-corpus-callosum syndrome with cerebellar hypoplasia and cortical malformations. Identifiers: MedGen C4748927, MONDO:0032648, OMIM 618273.

Submission:

Victorian Clinical Genetics Services, Murdoch Childrens Research Institute
Classification: Uncertain significance for Mega-corpus-callosum syndrome with cerebellar hypoplasia and cortical malformations. Last evaluated: 2024-10-08. Review status: criteria provided, single submitter. Criteria: ACMG Guidelines, 2015. Collection method: clinical testing. Allele origin: germline. Inheritance: Autosomal dominant inheritance. Affected: yes.
Comment: Based on the classification scheme VCGS_Germline_v1.3.4, this variant is classified as VUS-3B. Following criteria are met: 0105 - The mechanism of disease for this gene is not clearly established. However, dominant negative and gain of function have been suggested (PMID: 32198973, PMID: 30449657). (I) 0107 - This gene is associated with autosomal dominant disease. (I) 0213 - In-frame insertion/deletion in a non-repetitive region that has high conservation. (SP) 0251 - This variant is heterozygous. (I) 0301 - Variant is absent from gnomAD (both v2 and v3). (SP) 0309 - An alternative amino acid change at the same position has been observed in gnomAD (v3) (1 heterozygote, 0 homozygotes). (I) 0603 - Inframe deletion variant in a region that is highly intolerant to missense variation (high constraint region in DECIPHER). (SP) 0705 - No comparable inframe variants have previous evidence for pathogenicity. (I) 0807 - This variant has no previous evidence of pathogenicity. (I) 0905 - No published segregation evidence has been identified for this variant. (I) 1007 - No published functional evidence has been identified for this variant. (I) 1208 - Inheritance information for this variant is not currently available in this individual. (I) Legend: (SP) - Supporting pathogenic, (I) - Information, (SB) - Supporting benign

Literature cited by the submitters: PubMed 30449657; PubMed 32198973.

NM_014975.3(MAST1):c.1580CCA[1] (p.Thr528del)

Gene: MAST1 (microtubule associated serine/threonine kinase 1; plus strand). Cytogenetic location: 19p13.13.
Variant type: Microsatellite.
Coding change: c.1580CCA[1] on transcript NM_014975.3 (MANE Select); one copy of the 3-base unit CCA starting at c.1580; the reference has two copies in a row; one copy, 3 bases deleted.
Protein change: p.Thr528del; deletes threonine 528.
Genome position (GRCh38, 1-based): chr19:12,865,123-12,865,125, CCA deleted; deleting any 3 consecutive bases within chr19:12,865,118-12,865,125 gives the same sequence; the position shown is the placement nearest the transcript's 3' end. VCF-style (leftmost placement, unchanged base first): chr19-12865117-TCAC-T. GRCh37 (hg19) VCF-style: chr19-12975931-TCAC-T.
Other names: short protein forms T528del.
Identifiers: ClinVar variation 3377290 (VCV003377290.1).